The following is an entry in ClinVar:

ClinVar aggregate classification (germline): Benign/Likely benign. Review status: criteria provided, multiple submitters, no conflicts (2 of 4 stars). 7 submissions from 7 submitters: Benign (1); Likely benign (6). Last evaluated 2026-02-04.

Conditions:
Nonsyndromic genetic hearing loss. Also called: Non-syndromic genetic deafness; Nonsyndromic hearing loss and deafness; Nonsyndromic genetic deafness. Identifiers: Orphanet 87884, MedGen C5680182, MONDO:0019497.
Connective tissue disorder. Also called: Connective tissue disease. Identifiers: MedGen C0009782, MONDO:0003900.

Allele frequency attached by ClinVar (database versions not stated): gnomAD 0.00004 and 0.00026; TOPMed 0.00009; gnomAD exomes 0.00032 and 0.00067; ExAC 0.00076; 1000 Genomes Project 30x 0.00172; 1000 Genomes Project 0.00180.
gnomAD v4.1: 508 of 1,612,898 alleles (0.031%); highest among the groups gnomAD compares: South Asian, 0.45%; 7 homozygotes.

Submissions (7):

Labcorp Genetics (formerly Invitae), Labcorp
Classification: Benign. Last evaluated: 2026-02-04. Review status: criteria provided, single submitter. Criteria: Invitae Variant Classification Sherloc (09022015). Collection method: clinical testing. Allele origin: germline.

CeGaT Center for Human Genetics Tuebingen
Classification: Likely benign. Last evaluated: 2024-12-01. Review status: criteria provided, single submitter. Criteria: CeGaT Center For Human Genetics Tuebingen Variant Classification Criteria Version 2. Collection method: clinical testing. Allele origin: germline. Affected: yes. Observed: 1 variant allele.
Comment: COL11A2: BP4, BS1

Blueprint Genetics
Classification: Likely benign. Last evaluated: 2024-11-07. Review status: criteria provided, single submitter. Criteria: ACMG Guidelines, 2015. Collection method: clinical testing. Allele origin: germline.

Department of Pathology and Laboratory Medicine, Sinai Health System
Classification: Likely benign for nonsyndromic genetic hearing loss. Last evaluated: 2022-04-05. Review status: criteria provided, single submitter. Criteria: ACMG Guidelines, 2015. Collection method: research. Allele origin: germline.

GeneDx
Classification: Likely benign. Last evaluated: 2021-02-22. Review status: criteria provided, single submitter. Criteria: GeneDx Variant Classification Process June 2021. Collection method: clinical testing. Allele origin: germline. Affected: yes.

Center for Human Genetics, Inc
Classification: Likely benign for Connective tissue disorder. Last evaluated: 2018-06-01. Review status: criteria provided, single submitter. Criteria: ACMG Guidelines, 2015. Collection method: clinical testing. Allele origin: germline. Affected: yes.

ARUP Laboratories, Molecular Genetics and Genomics, ARUP Laboratories
Classification: Likely benign. Last evaluated: 2017-09-05. Review status: criteria provided, single submitter. Criteria: ARUP Molecular Germline Variant Investigation Process. Collection method: clinical testing. Allele origin: germline.
Comment: The p.Ser1325Leu variant (rs543145528) has not been reported in the medical literature, nor is it found in ClinVar. The p.Ser1325Leu variant is listed in the Genome Aggregation Database (gnomAD) browser with an allele frequency of 0.44% in the South Asian population (identified in 134 out of 30,530 chromosomes; 2 homozygotes). Additionally, the serine at codon 1325 is weakly conserved considering 11 species (Alamut software v2.9.0), and computational analyses suggest that this variant does not affect the COL11A2 protein structure/function (SIFT: tolerated, PolyPhen2: benign, MutationTaster: polymorphism). Therefore, based on the available evidence, the p.Ser1325Leu variant appears to be an ethnic-specific polymorphism present in the South Asian population and is classified as likely benign.

NM_080680.3(COL11A2):c.3974C>T (p.Ser1325Leu)

Gene: COL11A2 (collagen type XI alpha 2 chain; minus strand). Cytogenetic location: 6p21.32.
Variant type: single nucleotide variant.
Coding change: c.3974C>T on transcript NM_080680.3 (MANE Select); coding-DNA position 3974, C replaced by T.
Protein change: p.Ser1325Leu; replaces serine 1325 with leucine.
Molecular consequence: missense variant.
Genome position (GRCh38, 1-based): chr6:33,167,839, G>A on the plus strand (C>T on the coding strand, the complement: COL11A2 is on the minus strand). VCF-style: chr6-33167839-G-A. GRCh37 (hg19) VCF-style: chr6-33135616-G-A.
Other names: c.3653C>T, p.Ser1218Leu (NM_080679.3); c.3716C>T, p.Ser1239Leu (NM_080681.3); short protein forms S1325L, S1239L, S1218L.
Identifiers: ClinVar variation 561275 (VCV000561275.33), dbSNP rs543145528, ClinGen allele CA3750281.